The following is an entry in ClinVar:

NM_024652.6(LRRK1):c.2819C>G (p.Ser940Cys)

Gene: LRRK1 (leucine rich repeat kinase 1; plus strand). Cytogenetic location: 15q26.3.
Variant type: single nucleotide variant.
Coding change: c.2819C>G on transcript NM_024652.6 (MANE Select); coding-DNA position 2819, C replaced by G.
Protein change: p.Ser940Cys; replaces serine 940 with cysteine.
Molecular consequence: missense variant.
Genome position (GRCh38, 1-based): chr15:101,029,088, C>G. VCF-style: chr15-101029088-C-G. GRCh37 (hg19) VCF-style: chr15-101569293-C-G.
Other names: c.2819C>G (NM_024652.3); short protein forms S940C.
Identifiers: ClinVar variation 1369708 (VCV001369708.4), dbSNP rs185373027, ClinGen allele CA7761355.
Genomic context (GRCh38, chr15:101,029,088, plus strand): 5'-ACTTCCTCGACCCTATTTGGCTCTCCGAATGTCTGCAGAGGATCTTTAATATTAAGGGCT[C>G]TCGGTCAGTGGCCAAGAATGGGGTGATCAGAGCAGAAGACCTCAGGATGCTGCTGGTGGG-3'
Protein context (NP_078928.3, residues 930-950): CLQRIFNIKG[Ser940Cys]RSVAKNGVIR

ClinVar aggregate classification (germline): Uncertain significance. Review status: criteria provided, multiple submitters, no conflicts (2 of 4 stars). 2 submissions from 2 submitters: Uncertain significance (2). Last evaluated 2024-03-05.

Conditions:
Inborn genetic diseases. Identifiers: MedGen C0950123, MeSH D030342.

Allele frequency attached by ClinVar (database versions not stated): gnomAD 0.00004; ExAC 0.00010; 1000 Genomes Project 30x 0.00016; 1000 Genomes Project 0.00020.
gnomAD v4.1: 29 of 1,614,174 alleles (0.0018%); highest among the groups gnomAD compares: East Asian, 0.065%; no homozygotes.

Submissions (2):

Ambry Genetics
Classification: Uncertain significance for Inborn genetic diseases. Last evaluated: 2024-03-05. Review status: criteria provided, single submitter. Criteria: Ambry Variant Classification Scheme 2023. Collection method: clinical testing. Allele origin: germline.

Labcorp Genetics (formerly Invitae), Labcorp
Classification: Uncertain significance. Last evaluated: 2022-11-01. Review status: criteria provided, single submitter. Criteria: Invitae Variant Classification Sherloc (09022015). Collection method: clinical testing. Allele origin: germline.
Comment: This sequence change replaces serine, which is neutral and polar, with cysteine, which is neutral and slightly polar, at codon 940 of the LRRK1 protein (p.Ser940Cys). This variant is present in population databases (rs185373027, gnomAD 0.1%). This variant has not been reported in the literature in individuals affected with LRRK1-related conditions. ClinVar contains an entry for this variant (Variation ID: 1369708). Algorithms developed to predict the effect of missense changes on protein structure and function (SIFT, PolyPhen-2, Align-GVGD) all suggest that this variant is likely to be tolerated. In summary, the available evidence is currently insufficient to determine the role of this variant in disease. Therefore, it has been classified as a Variant of Uncertain Significance.